The following is an entry in ClinVar:

NM_000388.4(CASR):c.1999T>C (p.Phe667Leu)

Gene: CASR (calcium sensing receptor; plus strand). Cytogenetic location: 3q21.1.
Variant type: single nucleotide variant.
Coding change: c.1999T>C on transcript NM_000388.4 (MANE Select); coding-DNA position 1999, T replaced by C.
Protein change: p.Phe667Leu; replaces phenylalanine 667 with leucine.
Molecular consequence: missense variant.
Genome position (GRCh38, 1-based): chr3:122,283,953, T>C. VCF-style: chr3-122283953-T-C. GRCh37 (hg19) VCF-style: chr3-122002800-T-C.
Other names: c.2029T>C, p.Phe677Leu (NM_001178065.2); short protein forms F667L, F677L.
Identifiers: ClinVar variation 659706 (VCV000659706.9), dbSNP rs1576877276, ClinGen allele CA354158270.

ClinVar aggregate classification (germline): Uncertain significance. Review status: criteria provided, multiple submitters, no conflicts (2 of 4 stars). 2 submissions from 2 submitters: Uncertain significance (2). Last evaluated 2022-03-23.

Conditions:
Familial hypocalciuric hypercalcemia (FHH). Also called: Familial benign hypercalcemia. Identifiers: Orphanet 405, MedGen C1809471, MONDO:0018458.
Autosomal dominant hypocalcemia 1 (HYPOC1). Also called: HYPOCALCEMIA, FAMILIAL. Identifiers: MedGen C3715128, MONDO:0011013, OMIM 601198.
Nephrolithiasis/nephrocalcinosis. Identifiers: MedGen CN580796.

Submissions (2):

Ambry Genetics
Classification: Uncertain significance for Nephrolithiasis/nephrocalcinosis. Last evaluated: 2022-03-23. Review status: criteria provided, single submitter. Criteria: Ambry Variant Classification Scheme 2023. Collection method: clinical testing. Allele origin: germline.
Comment: The p.F667L variant (also known as c.1999T>C), located in coding exon 6 of the CASR gene, results from a T to C substitution at nucleotide position 1999. The phenylalanine at codon 667 is replaced by leucine, an amino acid with highly similar properties. This amino acid position is conserved. In addition, the in silico prediction for this alteration is inconclusive. Since supporting evidence is limited at this time, the clinical significance of this alteration remains unclear.

Labcorp Genetics (formerly Invitae), Labcorp
Classification: Uncertain significance for Familial hypocalciuric hypercalcemia; Autosomal dominant hypocalcemia 1. Last evaluated: 2021-12-14. Review status: criteria provided, single submitter. Criteria: Invitae Variant Classification Sherloc (09022015). Collection method: clinical testing. Allele origin: germline.
Comment: This variant is not present in population databases (gnomAD no frequency). This sequence change replaces phenylalanine, which is neutral and non-polar, with leucine, which is neutral and non-polar, at codon 667 of the CASR protein (p.Phe667Leu). In summary, the available evidence is currently insufficient to determine the role of this variant in disease. Therefore, it has been classified as a Variant of Uncertain Significance. Algorithms developed to predict the effect of missense changes on protein structure and function (SIFT, PolyPhen-2, Align-GVGD) all suggest that this variant is likely to be tolerated. ClinVar contains an entry for this variant (Variation ID: 659706). This variant has not been reported in the literature in individuals affected with CASR-related conditions.